The following is an entry in ClinVar:

NM_178857.6(RP1L1):c.652G>T (p.Val218Leu)

Gene: RP1L1 (RP1 like 1). Cytogenetic location: 8p23.1.
Variant type: single nucleotide variant.
Coding change: c.652G>T on transcript NM_178857.6 (MANE Select); coding-DNA position 652, G replaced by T.
Protein change: p.Val218Leu; replaces valine 218 with leucine.
Molecular consequence: missense variant.
Genome position (GRCh38, 1-based): chr8:10,616,545, C>A on the plus strand (G>T on the coding strand, the complement: RP1L1 is on the minus strand). VCF-style: chr8-10616545-C-A. GRCh37 (hg19) VCF-style: chr8-10474055-C-A.
Other names: short protein forms V218L.
Identifiers: ClinVar variation 96554 (VCV000096554.21), dbSNP rs77679870, ClinGen allele CA4625525.

ClinVar aggregate classification (germline): Conflicting classifications of pathogenicity. Review status: criteria provided, conflicting classifications (1 of 4 stars). 5 submissions from 5 submitters: Uncertain significance (1); Benign (1); Likely benign (2). 1 of the submissions does not count toward it. Last evaluated 2026-02-02.

Conditions:
RP1L1-related disorder. Also called: RP1L1-related condition.
Occult macular dystrophy (OCMD). Also called: OMD; OCCULT MACULAR DYSTROPHY, SUSCEPTIBILITY TO. Identifiers: Orphanet 247834, MedGen C3150833, MONDO:0013316, OMIM 613587, HP:0030636.

Allele frequency attached by ClinVar (database versions not stated): gnomAD exomes 0.00006 and 0.00016; ExAC 0.00018; 1000 Genomes Project 0.00060; 1000 Genomes Project 30x 0.00062; TOPMed 0.00079; gnomAD 0.00087; ESP Exome Variant Server 0.00099.
gnomAD v4.1: 206 of 1,614,050 alleles (0.013%); highest among the groups gnomAD compares: African/African-American, 0.26%; no homozygotes.

Submissions (5):

Labcorp Genetics (formerly Invitae), Labcorp
Classification: Likely benign. Last evaluated: 2026-02-02. Review status: criteria provided, single submitter. Criteria: Invitae Variant Classification Sherloc (09022015). Collection method: clinical testing. Allele origin: germline.

Blueprint Genetics
Classification: Likely benign. Last evaluated: 2024-09-11. Review status: criteria provided, single submitter. Criteria: ACMG Guidelines, 2015. Collection method: clinical testing. Allele origin: germline.

Illumina Laboratory Services, Illumina
Classification: Benign for Occult macular dystrophy. Last evaluated: 2018-01-12. Review status: criteria provided, single submitter. Criteria: ICSL Variant Classification Criteria 13 December 2019. Collection method: clinical testing. Allele origin: germline.
Comment: This variant was observed in the ICSL laboratory as part of a predisposition screen in an ostensibly healthy population. It had not been previously curated by ICSL or reported in the Human Gene Mutation Database (HGMD: prior to June 1st, 2018), and was therefore a candidate for classification through an automated scoring system. Utilizing variant allele frequency, disease prevalence and penetrance estimates, and inheritance mode, an automated score was calculated to assess if this variant is too frequent to cause the disease. Based on the score and internal cut-off values, a variant classified as benign is not then subjected to further curation. The score for this variant resulted in a classification of benign for this disease.

Eurofins Ntd Llc (ga)
Classification: Uncertain significance. Last evaluated: 2013-09-24. Review status: criteria provided, single submitter. Criteria: EGL Classification Definitions 2015. Collection method: clinical testing. Allele origin: germline. Observed: 1 variant allele, 1 heterozygote.

PreventionGenetics, part of Exact Sciences
Classification: Likely benign for RP1L1-related condition. Last evaluated: 2019-06-18. Review status: no assertion criteria provided. Collection method: clinical testing. Allele origin: germline. Not counted in ClinVar's aggregate classification.
Comment: This variant is classified as likely benign based on ACMG/AMP sequence variant interpretation guidelines (Richards et al. 2015 PMID: 25741868, with internal and published modifications).